The following is an entry in ClinVar:

NM_000478.6(ALPL):c.485G>T (p.Gly162Val)

Gene: ALPL (alkaline phosphatase, biomineralization associated; plus strand). Cytogenetic location: 1p36.12.
Variant type: single nucleotide variant.
Coding change: c.485G>T on transcript NM_000478.6 (MANE Select); coding-DNA position 485, G replaced by T.
Protein change: p.Gly162Val; replaces glycine 162 with valine.
Molecular consequence: missense variant.
Genome position (GRCh38, 1-based): chr1:21,564,053, G>T. VCF-style: chr1-21564053-G-T. GRCh37 (hg19) VCF-style: chr1-21890546-G-T.
Other names: G145V; c.320G>T, p.Gly107Val (NM_001127501.4); c.254G>T, p.Gly85Val (NM_001177520.3); c.485G>T, p.Gly162Val (NM_001369803.2, NM_001369804.2, NM_001369805.2); short protein forms G162V, G107V, G85V.
Identifiers: ClinVar variation 13676 (VCV000013676.15), dbSNP rs121918012, ClinGen allele CA256933.
Genomic context (GRCh38, chr1:21,564,053, plus strand): 5'-ACACCCCGATCTGTGGATAAAGCCAAACCCGCCCCTCCTGCACCCCAGGGAAATCTGTGG[G>T]CATTGTGACCACCACGAGAGTGAACCATGCCACCCCCAGCGCCGCCTACGCCCACTCGGC-3'
Protein context (NP_000469.3, residues 152-172): RWAKDAGKSV[Gly162Val]IVTTTRVNHA

ClinVar aggregate classification (germline): Pathogenic/Likely pathogenic. Review status: criteria provided, multiple submitters, no conflicts (2 of 4 stars). 5 submissions from 5 submitters: Pathogenic (2); Likely pathogenic (1). 2 of the submissions do not count toward it. Last evaluated 2025-08-29.

Conditions:
Hypophosphatasia. Also called: Phosphoethanol-aminuria. Identifiers: Orphanet 436, MedGen C0020630, MeSH D007014, MONDO:0018570.
Infantile hypophosphatasia. Identifiers: Orphanet 247651, Orphanet 436, MedGen C0268412, MONDO:1010169, OMIM 241500, MONDO:0009427.
Childhood hypophosphatasia. Identifiers: Orphanet 247667, Orphanet 436, MedGen C0220743, MONDO:1010168, OMIM 241510, MONDO:0009428.

Allele frequency attached by ClinVar (database versions not stated): gnomAD exomes below 0.00001.
gnomAD v4.1: 5 of 1,613,916 alleles (0.00031%); highest among the groups gnomAD compares: Non-Finnish European, 0.00034%; no homozygotes.

Submissions (5):

Genomenon, Inc
Classification: Pathogenic for Hypophosphatasia. Last evaluated: 2025-08-29. Review status: criteria provided, single submitter. Criteria: Genomenon Sequence Variant Interpretation Standards. Collection method: curation. Allele origin: germline. Affected: yes.
Comment: ALPL c.485G>T is a missense variant that changes the amino acid at residue 162 from Glycine to Valine. This variant has been observed in a proband affected with hypophosphatasia (PMID:10094560). It has been observed in trans with a pathogenic variant (PMID:10094560). At least one functional study has demonstrated a substantial alteration in protein function relative to the wild-type (PMID:10332035). This variant has also been described as Gly145Val in the literature. It is absent or not present at a significant frequency in gnomAD. In silico models agree that this variant is possibly or probably damaging. In conclusion, we classify ALPL p.Gly162Val (c.485G>T) as a pathogenic variant.

Natera, Inc.
Classification: Likely pathogenic for Hypophosphatasia. Last evaluated: 2025-06-26. Review status: criteria provided, single submitter. Criteria: Natera Variant Classification Schema (03/2026). Collection method: clinical testing. Allele origin: germline.
Comment: The c.485G>T variant in ALPL is a missense variant predicted to cause substitution of glycine to valine at amino acid 162. This variant is rare in the general population with a frequency below the threshold expected for the associated phenotype(s). This variant has been observed in one or more individuals affected with the associated recessive disease, as either homozygous or compound heterozygous with a second variant (PMID: 10094560). Functional studies show that this variant may disrupt protein function (PMID: 10332035). Computational prediction algorithms indicate this variant is likely to affect gene or protein function. Given the available evidence, this variant is classified as Likely Pathogenic.

Labcorp Genetics (formerly Invitae), Labcorp
Classification: Pathogenic. Last evaluated: 2022-08-23. Review status: criteria provided, single submitter. Criteria: Invitae Variant Classification Sherloc (09022015). Collection method: clinical testing. Allele origin: germline.
Comment: This variant is not present in population databases (gnomAD no frequency). This sequence change replaces glycine, which is neutral and non-polar, with valine, which is neutral and non-polar, at codon 162 of the ALPL protein (p.Gly162Val). This missense change has been observed in individual(s) with autosomal recessive hypophosphatasia (PMID: 10094560). In at least one individual the data is consistent with being in trans (on the opposite chromosome) from a pathogenic variant. For these reasons, this variant has been classified as Pathogenic. Experimental studies have shown that this missense change affects ALPL function (PMID: 10332035). Advanced modeling of protein sequence and biophysical properties (such as structural, functional, and spatial information, amino acid conservation, physicochemical variation, residue mobility, and thermodynamic stability) performed at Invitae indicates that this missense variant is expected to disrupt ALPL protein function. ClinVar contains an entry for this variant (Variation ID: 13676). This variant is also known as p.Gly145Val.

Counsyl
Classification: Uncertain significance for Infantile hypophosphatasia. Last evaluated: 2017-11-21. Review status: no assertion criteria provided. Collection method: clinical testing. Allele origin: unknown. Not counted in ClinVar's aggregate classification.

OMIM
Classification: Pathogenic for HYPOPHOSPHATASIA, CHILDHOOD. Last evaluated: 1999-06-01. Review status: no assertion criteria provided. Collection method: literature only. Allele origin: germline. Not counted in ClinVar's aggregate classification.

Literature cited by the submitters: PubMed 10094560 (cited by 3 submitters); PubMed 10332035 (cited by 5 submitters).